The following is an entry in ClinVar:

ClinVar aggregate classification (germline): Likely pathogenic (1 of 4 stars; one submission).

Conditions:
Williams syndrome (WBS). Also called: CHROMOSOME 7q11.23 DELETION SYNDROME, 1.5- TO 1.8-MB; WILLIAMS-BEUREN SYNDROME. Identifiers: Orphanet 904, MedGen C0175702, MONDO:0008678, OMIM 194050. Disease mechanism: loss of function.

Submission:

Foundation for Research in Genetics and Endocrinology, FRIGE's Institute of Human Genetics
Classification: Likely pathogenic for Williams syndrome. Review status: criteria provided, single submitter. Criteria: ACMG Guidelines, 2015. Collection method: clinical testing. Allele origin: germline. Inheritance: Autosomal dominant inheritance. Affected: yes. Observed: 1 heterozygote.
Comment: A large heterozygous deletion of size [~1432.13 KB], on chromosome 7 [chr7:g.(?_73303398)_(74735532_?)del] encompassing multiple genes was observed. Contiguous deletion overlapping this region have previously been reported in the literature [PMID: 30008175].

NC_000007.14:g.(?_73303398)_(74735532_?)del

Genes: METTL27 (methyltransferase like 27; minus strand), MIR10525 (microRNA 10525; plus strand), MIR4284 (microRNA 4284; plus strand), MIR590 (microRNA 590; plus strand), MLXIPL (MLX interacting protein like; minus strand) and 128 more. Cytogenetic location: 7q11.23.
Variant type: Deletion.
Identifiers: ClinVar variation 3252027 (VCV003252027.2).